The following is an entry in ClinVar:

ClinVar aggregate classification (germline): Likely pathogenic (1 of 4 stars; one submission).

Conditions:
Myasthenic syndrome, congenital, 22 (CMS22). Also called: PREPL DEFICIENCY. Identifiers: MedGen C4479088, MONDO:0044299, OMIM 616224.

Allele frequency attached by ClinVar (database versions not stated): TOPMed 0.00001.

Submission:

Labcorp Genetics (formerly Invitae), Labcorp
Classification: Likely pathogenic for Myasthenic syndrome, congenital, 22. Last evaluated: 2025-08-25. Review status: criteria provided, single submitter. Criteria: Invitae Variant Classification Sherloc (09022015). Collection method: clinical testing. Allele origin: germline.
Comment: This sequence change affects an acceptor splice site in intron 1 of the PREPL gene. It is expected to disrupt RNA splicing. Variants that disrupt the donor or acceptor splice site typically lead to a loss of protein function (PMID: 16199547), and loss-of-function variants in PREPL are known to be pathogenic (PMID: 24610330, 28726805, 29913539). This variant is present in population databases (rs753545038, gnomAD 0.01%). This variant has not been reported in the literature in individuals affected with PREPL-related conditions. ClinVar contains an entry for this variant (Variation ID: 544536). Algorithms developed to predict the effect of sequence changes on RNA splicing suggest that this variant may disrupt the consensus splice site. In summary, the currently available evidence indicates that the variant is pathogenic, but additional data are needed to prove that conclusively. Therefore, this variant has been classified as Likely Pathogenic.

Literature cited by the submitters: PubMed 16199547; PubMed 24610330; PubMed 28726805; PubMed 29913539.

NM_001171613.2(PREPL):c.-48-2A>G

Gene: PREPL (prolyl endopeptidase like; minus strand). Cytogenetic location: 2p21.
Variant type: single nucleotide variant.
Coding change: c.-48-2A>G on transcript NM_001171613.2 (MANE Select); the canonical splice acceptor site of the intron before 48 bases upstream of the start codon, A replaced by G.
Molecular consequence: splice acceptor variant.
Genome position (GRCh38, 1-based): chr2:44,346,392, T>C on the plus strand (A>G on the coding strand, the complement: PREPL is on the minus strand). VCF-style: chr2-44346392-T-C. GRCh37 (hg19) VCF-style: chr2-44573531-T-C.
Other names: c.-48-2A>G (NM_001171617.1, NM_001374277.1); c.220-2A>G (NM_001171603.1, NM_001374275.1, NM_001374276.1 and 4 more transcripts).
Identifiers: ClinVar variation 544536 (VCV000544536.8), dbSNP rs753545038, ClinGen allele CA1641690.
Genomic context (GRCh38, chr2:44,346,392, plus strand): 5'-AATGCATCCATGTTTTCTGGAAGGGGTTTTTCGTTTTCTTGTTTAACAGGCTGAAGATCC[T>C]GGAAAAAGTTTTGTTATGATCAAAATATTTCAAACTAGGGAAAAAAAACTTTTGCTTTTT-3'